The following is an entry in ClinVar:

ClinVar aggregate classification (germline): Uncertain significance (1 of 4 stars; one submission).

Submission:

GeneDx
Classification: Uncertain significance. Last evaluated: 2025-06-30. Review status: criteria provided, single submitter. Criteria: GeneDx Variant Classification Process June 2021. Collection method: clinical testing. Allele origin: germline. Affected: yes.
Comment: Not observed at significant frequency in large population cohorts (gnomAD); In silico analysis suggests that this variant does not alter splicing; Has not been previously published as pathogenic or benign to our knowledge

NM_020433.5(JPH2):c.380-6C>A

Gene: JPH2 (junctophilin 2; minus strand). Cytogenetic location: 20q13.12.
Variant type: single nucleotide variant.
Coding change: c.380-6C>A on transcript NM_020433.5 (MANE Select); 6 bases into the intron before coding-DNA position 380, C replaced by A.
Molecular consequence: intron variant.
Genome position (GRCh38, 1-based): chr20:44,160,413, G>T on the plus strand (C>A on the coding strand, the complement: JPH2 is on the minus strand). VCF-style: chr20-44160413-G-T. GRCh37 (hg19) VCF-style: chr20-42789053-G-T.
Identifiers: ClinVar variation 4680952 (VCV004680952.1).